The following is an entry in ClinVar:

ClinVar aggregate classification (germline): Uncertain significance (1 of 4 stars; one submission).

Conditions:
Hyperaldosteronism, familial, type IV (HALD4). Also called: FH IV; ALDOSTERONISM, PRIMARY, AND HYPERTENSION. Identifiers: Orphanet 642671, MedGen C4310756, MONDO:0014875, OMIM 617027.
Idiopathic generalized epilepsy. Also called: Generalised epilepsy; EIG. Identifiers: MedGen C0270850, MONDO:0005579, OMIM 600669.

Submission:

Labcorp Genetics (formerly Invitae), Labcorp
Classification: Uncertain significance for Idiopathic generalized epilepsy; Hyperaldosteronism, familial, type IV. Last evaluated: 2021-07-17. Review status: criteria provided, single submitter. Criteria: Invitae Variant Classification Sherloc (09022015). Collection method: clinical testing. Allele origin: germline.
Comment: This sequence change replaces methionine with isoleucine at codon 801 of the CACNA1H protein (p.Met801Ile). The methionine residue is weakly conserved and there is a small physicochemical difference between methionine and isoleucine. This variant is not present in population databases (ExAC no frequency). This variant has not been reported in the literature in individuals affected with CACNA1H-related conditions. Advanced modeling of protein sequence and biophysical properties (such as structural, functional, and spatial information, amino acid conservation, physicochemical variation, residue mobility, and thermodynamic stability) performed at Invitae indicates that this missense variant is not expected to disrupt CACNA1H protein function. Algorithms developed to predict the effect of sequence changes on RNA splicing suggest that this variant may create or strengthen a splice site. In summary, the available evidence is currently insufficient to determine the role of this variant in disease. Therefore, it has been classified as a Variant of Uncertain Significance.

NM_021098.3(CACNA1H):c.2403G>A (p.Met801Ile)

Gene: CACNA1H (calcium voltage-gated channel subunit alpha1 H; plus strand). Cytogenetic location: 16p13.3.
Variant type: single nucleotide variant.
Coding change: c.2403G>A on transcript NM_021098.3 (MANE Select); coding-DNA position 2403, G replaced by A.
Protein change: p.Met801Ile; replaces methionine 801 with isoleucine.
Molecular consequence: missense variant.
Genome position (GRCh38, 1-based): chr16:1,204,410, G>A. VCF-style: chr16-1204410-G-A. GRCh37 (hg19) VCF-style: chr16-1254410-G-A.
Other names: c.2403G>A, p.Met801Ile (NM_001005407.2); short protein forms M801I.
Identifiers: ClinVar variation 1368250 (VCV001368250.8), dbSNP rs2141281744, ClinGen allele CA394166512.
Genomic context (GRCh38, chr16:1,204,410, plus strand): 5'-CTTCAGCGGCAAGCTGCGCCGCATCGTGGACAGCAAGTACTTCAGCCGTGGCATCATGAT[G>A]GCCATCCTTGTCAACACGCTGAGCATGGGCGTGGAGTACCATGAGCAGGTGCGGGCTGGC-3'
Protein context (NP_066921.2, residues 791-811): DSKYFSRGIM[Met801Ile]AILVNTLSMG